The following is an entry in ClinVar:

NM_144573.4(NEXN):c.1606_1607del (p.Lys536fs)

Gene: NEXN (nexilin F-actin binding protein; plus strand). Cytogenetic location: 1p31.1.
Variant type: Deletion.
Coding change: c.1606_1607del on transcript NM_144573.4 (MANE Select); coding-DNA positions 1606 to 1607, 2 bases deleted (AA; older notation c.1606_1607delAA).
Protein change: p.Lys536fs; shifts the reading frame from lysine 536.
Molecular consequence: frameshift variant.
Genome position (GRCh38, 1-based): chr1:77,942,155-77,942,156, AA deleted; deleting any 2 consecutive bases within chr1:77,942,153-77,942,156 gives the same sequence; the c. name uses the placement nearest the transcript's 3' end. VCF-style (leftmost placement, unchanged base first): chr1-77942152-CAA-C. GRCh37 (hg19) VCF-style: chr1-78407837-CAA-C.
Other names: c.1414_1415del, p.Lys472fs (NM_001172309.2); c.1606_1607del (NM_144573.3); short protein forms K472fs, K536fs.
Identifiers: ClinVar variation 632116 (VCV000632116.12), dbSNP rs1394704286, ClinGen allele CA524231075.

ClinVar aggregate classification (germline): Conflicting classifications of pathogenicity. Review status: criteria provided, conflicting classifications (1 of 4 stars). 3 submissions from 3 submitters: Likely pathogenic (1); Uncertain significance (2). Last evaluated 2025-04-19.

Conditions:
Cardiovascular phenotype. Identifiers: MedGen CN230736.
Dilated cardiomyopathy 1CC (CMD1CC). Identifiers: Orphanet 154, MedGen C2751084, MONDO:0013147, OMIM 613122.
Hypertrophic cardiomyopathy 20. Identifiers: MedGen C3151267, MONDO:0013477, OMIM 613876.

Submissions (3):

Ambry Genetics
Classification: Uncertain significance for Cardiovascular phenotype. Last evaluated: 2025-04-19. Review status: criteria provided, single submitter. Criteria: Ambry Variant Classification Scheme 2023. Collection method: clinical testing. Allele origin: germline.
Comment: The c.1606_1607delAA variant, located in coding exon 11 of the NEXN gene, results from a deletion of two nucleotides at nucleotide positions 1606 to 1607, causing a translational frameshift with a predicted alternate stop codon (p.K536Vfs*7). This alteration occurs at the 3' terminus of theNEXN gene, is not expected to trigger nonsense-mediated mRNAdecay, and impacts the last 20% of the protein. The exact functional effect of this alteration is unknown. This variant has been identified in the homozygous state and/or in conjunction with other NEXN variant(s) in individual(s) with features consistent with autosomal recessive NEXN-related cardiomyopathy (Sparks TN et al. N Engl J Med. 2020 Oct;383(18):1746-1756). Based on the available evidence, the clinical significance of this variant remains unclear.

GeneDx
Classification: Likely pathogenic. Last evaluated: 2023-10-12. Review status: criteria provided, single submitter. Criteria: GeneDx Variant Classification Process June 2021. Collection method: clinical testing. Allele origin: germline. Affected: yes.
Comment: Frameshift variant predicted to result in abnormal protein length as the last 140 amino acids are replaced with 6 different amino acids, and other similar variants have been reported in HGMD; Not observed at significant frequency in large population cohorts (gnomAD); Has not been previously published as pathogenic or benign to our knowledge; This variant is associated with the following publications: (PMID: 33027564)

Labcorp Genetics (formerly Invitae), Labcorp
Classification: Uncertain significance for Dilated cardiomyopathy 1CC; Hypertrophic cardiomyopathy 20. Last evaluated: 2022-08-09. Review status: criteria provided, single submitter. Criteria: Invitae Variant Classification Sherloc (09022015). Collection method: clinical testing. Allele origin: germline.
Comment: ClinVar contains an entry for this variant (Variation ID: 632116). This sequence change creates a premature translational stop signal (p.Lys536Valfs*7) in the NEXN gene. While this is not anticipated to result in nonsense mediated decay, it is expected to disrupt the last 140 amino acid(s) of the NEXN protein. This variant is present in population databases (no rsID available, gnomAD 0.01%). This premature translational stop signal has been observed in individual(s) with clinical features of NEXN-related conditions (PMID: 33027564). Experimental studies and prediction algorithms are not available or were not evaluated, and the functional significance of this variant is currently unknown. In summary, the available evidence is currently insufficient to determine the role of this variant in disease. Therefore, it has been classified as a Variant of Uncertain Significance.

Literature cited by the submitters: PubMed 33027564 (cited by Ambry Genetics and Labcorp Genetics (formerly Invitae), Labcorp).